The following is an entry in ClinVar:

NM_033102.3(SLC45A3):c.218C>T (p.Ser73Leu)

Gene: SLC45A3 (solute carrier family 45 member 3; minus strand). Cytogenetic location: 1q32.1.
Variant type: single nucleotide variant.
Coding change: c.218C>T on transcript NM_033102.3 (MANE Select); coding-DNA position 218, C replaced by T.
Protein change: p.Ser73Leu; replaces serine 73 with leucine.
Molecular consequence: missense variant.
Genome position (GRCh38, 1-based): chr1:205,663,573, G>A on the plus strand (C>T on the coding strand, the complement: SLC45A3 is on the minus strand). VCF-style: chr1-205663573-G-A. GRCh37 (hg19) VCF-style: chr1-205632701-G-A.
Other names: short protein forms S73L.
Identifiers: ClinVar variation 3234344 (VCV003234344.20), dbSNP rs2527370306, ClinGen allele CA344430600.

ClinVar aggregate classification (germline): Uncertain significance (1 of 4 stars; one submission).

Allele frequency attached by ClinVar (database versions not stated): gnomAD exomes below 0.00001.
gnomAD v4.1: 2 of 1,610,172 alleles (0.00012%); highest among the groups gnomAD compares: Middle Eastern, 0.017%; no homozygotes.

Submission:

CeGaT Center for Human Genetics Tuebingen
Classification: Uncertain significance. Last evaluated: 2024-04-01. Review status: criteria provided, single submitter. Criteria: CeGaT Center For Human Genetics Tuebingen Variant Classification Criteria Version 2. Collection method: clinical testing. Allele origin: germline. Affected: yes. Observed: 1 variant allele.
Comment: SLC45A3: PM2